The following is an entry in ClinVar:

NM_007194.4(CHEK2):c.1268G>T (p.Gly423Val)

Gene: CHEK2 (checkpoint kinase 2; minus strand). Cytogenetic location: 22q12.1.
Variant type: single nucleotide variant.
Coding change: c.1268G>T on transcript NM_007194.4 (MANE Select); coding-DNA position 1268, G replaced by T.
Protein change: p.Gly423Val; replaces glycine 423 with valine.
Molecular consequence: missense variant.
Genome position (GRCh38, 1-based): chr22:28,695,234, C>A on the plus strand (G>T on the coding strand, the complement: CHEK2 is on the minus strand). VCF-style: chr22-28695234-C-A. GRCh37 (hg19) VCF-style: chr22-29091222-C-A.
Other names: c.1397G>T, p.Gly466Val (NM_001005735.3); c.605G>T, p.Gly202Val (NM_001257387.3); c.1067G>T, p.Gly356Val (NM_001349956.3); c.1181G>T, p.Gly394Val (NM_145862.3); c.1268G>T (NM_007194.3); short protein forms G356V, G466V, G202V, G423V, G394V.
Identifiers: ClinVar variation 2810493 (VCV002810493.4), dbSNP rs1064793300, ClinGen allele CA411096325.

ClinVar aggregate classification (germline): Uncertain significance. Review status: criteria provided, multiple submitters, no conflicts (2 of 4 stars). 2 submissions from 2 submitters: Uncertain significance (2). Last evaluated 2026-04-08.

Conditions:
Hereditary cancer-predisposing syndrome. Also called: Tumor predisposition; Hereditary neoplastic syndrome; Neoplastic Syndromes, Hereditary; Hereditary Cancer Syndrome. Identifiers: Orphanet 140162, MedGen C0027672, MeSH D009386, MONDO:0015356.
Familial cancer of breast. Also called: hereditary breast carcinoma; Hereditary breast cancer; BREAST CANCER, FAMILIAL. Identifiers: Orphanet 227535, MedGen C0346153, MONDO:0016419, OMIM 114480. Disease mechanism: loss of function.

Submissions (2):

Ambry Genetics
Classification: Uncertain significance for Hereditary cancer-predisposing syndrome. Last evaluated: 2026-04-08. Review status: criteria provided, single submitter. Criteria: Ambry Variant Classification Scheme 2023. Collection method: clinical testing. Allele origin: germline.
Comment: The p.G423V variant (also known as c.1268G>T), located in coding exon 11 of the CHEK2 gene, results from a G to T substitution at nucleotide position 1268. The glycine at codon 423 is replaced by valine, an amino acid with dissimilar properties. This amino acid position is conserved. In addition, this alteration is predicted to be deleterious by in silico analysis. Based on the available evidence, the clinical significance of this variant remains unclear.

Labcorp Genetics (formerly Invitae), Labcorp
Classification: Uncertain significance for Familial cancer of breast. Last evaluated: 2022-10-29. Review status: criteria provided, single submitter. Criteria: Invitae Variant Classification Sherloc (09022015). Collection method: clinical testing. Allele origin: germline.
Comment: This sequence change replaces glycine, which is neutral and non-polar, with valine, which is neutral and non-polar, at codon 423 of the CHEK2 protein (p.Gly423Val). This variant is not present in population databases (gnomAD no frequency). This variant has not been reported in the literature in individuals affected with CHEK2-related conditions. Algorithms developed to predict the effect of missense changes on protein structure and function are either unavailable or do not agree on the potential impact of this missense change (SIFT: "Deleterious"; PolyPhen-2: "Probably Damaging"; Align-GVGD: "Class C0"). Algorithms developed to predict the effect of sequence changes on RNA splicing suggest that this variant may disrupt the consensus splice site. In summary, the available evidence is currently insufficient to determine the role of this variant in disease. Therefore, it has been classified as a Variant of Uncertain Significance.